The following is an entry in ClinVar:

ClinVar aggregate classification (germline): Uncertain significance (1 of 4 stars; one submission).

Conditions:
Neuropathy, hereditary sensory and autonomic, type 2A (HSAN2A). Also called: HSAN IIA; ACROOSTEOLYSIS, GIACCAI TYPE; ACROOSTEOLYSIS, NEUROGENIC; MORVAN DISEASE; NEUROPATHY, CONGENITAL SENSORY; NEUROPATHY, HEREDITARY SENSORY RADICULAR, AUTOSOMAL RECESSIVE. Identifiers: Orphanet 970, MedGen C2752089, MONDO:0024309, OMIM 201300.
Generalized epilepsy with febrile seizures plus, type 7 (GEFSP7). Also called: GEFS+, TYPE 7. Identifiers: Orphanet 36387, MedGen C2751778, MONDO:0013470, OMIM 613863.

Allele frequency attached by ClinVar (database versions not stated): gnomAD exomes below 0.00001; gnomAD 0.00003; TOPMed 0.00005; 1000 Genomes Project 30x 0.00016; 1000 Genomes Project 0.00020.
gnomAD v4.1: 7 of 1,599,032 alleles (0.00044%); highest among the groups gnomAD compares: Admixed American, 0.0087%; no homozygotes.

Submission:

Labcorp Genetics (formerly Invitae), Labcorp
Classification: Uncertain significance for Neuropathy, hereditary sensory and autonomic, type 2A; Generalized epilepsy with febrile seizures plus, type 7. Last evaluated: 2025-09-23. Review status: criteria provided, single submitter. Criteria: Invitae Variant Classification Sherloc (09022015). Collection method: clinical testing. Allele origin: germline.
Comment: This sequence change replaces leucine, which is neutral and non-polar, with serine, which is neutral and polar, at codon 352 of the SCN9A protein (p.Leu352Ser). This variant is not present in population databases (gnomAD no frequency). This variant has not been reported in the literature in individuals affected with SCN9A-related conditions. ClinVar contains an entry for this variant (Variation ID: 1017876). Invitae Evidence Modeling of protein sequence and biophysical properties (such as structural, functional, and spatial information, amino acid conservation, physicochemical variation, residue mobility, and thermodynamic stability) has been performed for this missense variant. However, the output from this modeling did not meet the statistical confidence thresholds required to predict the impact of this variant on SCN9A protein function. In summary, the available evidence is currently insufficient to determine the role of this variant in disease. Therefore, it has been classified as a Variant of Uncertain Significance.

NM_001365536.1(SCN9A):c.1055T>C (p.Leu352Ser)

Genes: SCN9A (sodium voltage-gated channel alpha subunit 9; minus strand), SCN1A-AS1 (SCN1A and SCN9A antisense RNA 1; plus strand). Cytogenetic location: 2q24.3.
Variant type: single nucleotide variant.
Coding change: c.1055T>C on transcript NM_001365536.1 (MANE Select); coding-DNA position 1055, T replaced by C.
Protein change: p.Leu352Ser; replaces leucine 352 with serine.
Molecular consequence: missense variant.
Genome position (GRCh38, 1-based): chr2:166,293,283, A>G on the plus strand (T>C on the coding strand, the complement: SCN9A is on the minus strand). VCF-style: chr2-166293283-A-G. GRCh37 (hg19) VCF-style: chr2-167149793-A-G.
Other names: c.1055T>C, p.Leu352Ser (NM_002977.4); short protein forms L352S.
Identifiers: ClinVar variation 1017876 (VCV001017876.6), dbSNP rs182188165, ClinGen allele CA59806968.
Genomic context (GRCh38, chr2:166,293,283, plus strand): 5'-GTACTCACCTGTTGGTAAAGGTTTTCCCAGTAATCTTGGGTCATTAGCCTAAACAAGGCT[A>G]AGAAGGCCCAGCTGAAAGTGTCAAAGCTCGTGTAGCCATAATCAGGGTTTCTGCCAATTT-3'
Protein context (NP_001352465.1, residues 342-362): TSFDTFSWAF[Leu352Ser]ALFRLMTQDY